The following is an entry in ClinVar:

NM_020779.4(WDR35):c.*1406A>G

Gene: WDR35 (WD repeat domain 35; minus strand). Cytogenetic location: 2p24.1.
Variant type: single nucleotide variant.
Coding change: c.*1406A>G on transcript NM_020779.4 (MANE Select); 1406 bases downstream of the stop codon, A replaced by G.
Molecular consequence: 3 prime UTR variant.
Genome position (GRCh38, 1-based): chr2:19,912,152, T>C on the plus strand (A>G on the coding strand, the complement: WDR35 is on the minus strand). VCF-style: chr2-19912152-T-C. GRCh37 (hg19) VCF-style: chr2-20111913-T-C.
Other names: c.*1406A>G (NM_001006657.2).
Identifiers: ClinVar variation 894800 (VCV000894800.5), dbSNP rs10197681, ClinGen allele CA11222731.

ClinVar aggregate classification (germline): Benign. Review status: criteria provided, multiple submitters, no conflicts (2 of 4 stars). 3 submissions from 2 submitters: Benign (3). Last evaluated 2018-01-12.

Conditions:
Short-rib thoracic dysplasia 7 with or without polydactyly (SRTD7). Also called: Short rib polydactyly syndrome 5; SHORT-RIB THORACIC DYSPLASIA 7 WITH POLYDACTYLY. Identifiers: Orphanet 498497, Orphanet 93271, MedGen C3279792, MONDO:0013569, OMIM 614091.
Cranioectodermal dysplasia 2 (CED2). Identifiers: Orphanet 1515, MedGen C3150874, MONDO:0013323, OMIM 613610.

Allele frequency attached by ClinVar (database versions not stated): 1000 Genomes Project 0.00559; gnomAD 0.00573 and 0.00613; TOPMed 0.00603; 1000 Genomes Project 30x 0.00625.

Submissions (3):

Illumina Laboratory Services, Illumina
Classification: Benign for Short-rib thoracic dysplasia 7 with or without polydactyly. Last evaluated: 2018-01-12. Review status: criteria provided, single submitter. Criteria: ICSL Variant Classification Criteria 13 December 2019. Collection method: clinical testing. Allele origin: germline.
Comment: This variant was observed in the ICSL laboratory as part of a predisposition screen in an ostensibly healthy population. It had not been previously curated by ICSL or reported in the Human Gene Mutation Database (HGMD: prior to June 1st, 2018), and was therefore a candidate for classification through an automated scoring system. Utilizing variant allele frequency, disease prevalence and penetrance estimates, and inheritance mode, an automated score was calculated to assess if this variant is too frequent to cause the disease. Based on the score and internal cut-off values, a variant classified as benign is not then subjected to further curation. The score for this variant resulted in a classification of benign for this disease.

Illumina Laboratory Services, Illumina
Classification: Benign for Cranioectodermal dysplasia 2. Last evaluated: 2018-01-12. Review status: criteria provided, single submitter. Criteria: ICSL Variant Classification Criteria 13 December 2019. Collection method: clinical testing. Allele origin: germline.
Comment: the same text as in the submission from Illumina Laboratory Services, Illumina above.

Breakthrough Genomics
Classification: Benign. Review status: criteria provided, single submitter. Criteria: ACMG Guidelines, 2015. Collection method: not provided. Allele origin: germline. Inheritance: Autosomal recessive inheritance. Affected: yes.